The following is an entry in ClinVar:

ClinVar aggregate classification (germline): Uncertain significance (1 of 4 stars; one submission).

Conditions:
Gastrointestinal stromal tumor. Also called: Gastrointestinal stromal tumor, somatic; Gastrointestinal stroma tumor. Identifiers: Orphanet 44890, MedGen C0238198, MeSH D046152, MONDO:0011719, OMIM 606764, HP:0100723.

Submission:

Labcorp Genetics (formerly Invitae), Labcorp
Classification: Uncertain significance for Gastrointestinal stromal tumor. Last evaluated: 2024-12-06. Review status: criteria provided, single submitter. Criteria: Invitae Variant Classification Sherloc (09022015). Collection method: clinical testing. Allele origin: germline.
Comment: This sequence change affects codon 527 of the KIT mRNA. It is a 'silent' change, meaning that it does not change the encoded amino acid sequence of the KIT protein. This variant is not present in population databases (gnomAD no frequency). This variant has not been reported in the literature in individuals affected with KIT-related conditions. Algorithms developed to predict the effect of sequence changes on RNA splicing suggest that this variant may create or strengthen a splice site. In summary, the available evidence is currently insufficient to determine the role of this variant in disease. Therefore, it has been classified as a Variant of Uncertain Significance.

NM_000222.3(KIT):c.1581T>A (p.Ile527=)

Gene: KIT (KIT proto-oncogene, receptor tyrosine kinase; plus strand). Cytogenetic location: 4q12.
Variant type: single nucleotide variant.
Coding change: c.1581T>A on transcript NM_000222.3 (MANE Select); coding-DNA position 1581, T replaced by A.
Protein change: p.Ile527=; no amino-acid change (isoleucine 527 retained).
Molecular consequence: synonymous variant.
Genome position (GRCh38, 1-based): chr4:54,727,258, T>A. VCF-style: chr4-54727258-T-A. GRCh37 (hg19) VCF-style: chr4-55593424-T-A.
Other names: c.1569T>A, p.Ile523= (NM_001093772.2, NM_001385286.1); c.1584T>A, p.Ile528= (NM_001385284.1, NM_001385290.1); c.1581T>A, p.Ile527= (NM_001385285.1); c.1572T>A, p.Ile524= (NM_001385288.1, NM_001385292.1).
Identifiers: ClinVar variation 3654178 (VCV003654178.2).